The following is an entry in ClinVar:

ClinVar aggregate classification (germline): Uncertain significance. Review status: criteria provided, multiple submitters, no conflicts (2 of 4 stars). 3 submissions from 3 submitters: Uncertain significance (3). Last evaluated 2026-01-12.

Conditions:
Long QT syndrome 12 (LQT12). Identifiers: Orphanet 101016, Orphanet 768, MedGen C2751830, MONDO:0013062, OMIM 612955.
Long QT syndrome (LQTS). Identifiers: MedGen C0023976, MeSH D008133, MONDO:0002442. Disease mechanism: loss of function. Inheritance: Various modes of inheritance.
Cardiovascular phenotype. Identifiers: MedGen CN230736.

Allele frequency attached by ClinVar (database versions not stated): gnomAD exomes below 0.00001 and 0.00001; gnomAD 0.00002 and 0.00003; TOPMed 0.00005.
gnomAD v4.1: 13 of 1,612,506 alleles (0.00081%); highest among the groups gnomAD compares: African/African-American, 0.0053%; no homozygotes.

Submissions (3):

Labcorp Genetics (formerly Invitae), Labcorp
Classification: Uncertain significance for Long QT syndrome. Last evaluated: 2026-01-12. Review status: criteria provided, single submitter. Criteria: Invitae Variant Classification Sherloc (09022015). Collection method: clinical testing. Allele origin: germline.
Comment: This sequence change replaces arginine, which is basic and polar, with histidine, which is basic and polar, at codon 369 of the SNTA1 protein (p.Arg369His). The frequency data for this variant in the population databases is considered unreliable, as metrics indicate poor data quality at this position in the gnomAD database. This variant has not been reported in the literature in individuals affected with SNTA1-related conditions. ClinVar contains an entry for this variant (Variation ID: 649723). Invitae Evidence Modeling of protein sequence and biophysical properties (such as structural, functional, and spatial information, amino acid conservation, physicochemical variation, residue mobility, and thermodynamic stability) indicates that this missense variant is expected to disrupt SNTA1 protein function with a positive predictive value of 80%. In summary, the available evidence is currently insufficient to determine the role of this variant in disease. Therefore, it has been classified as a Variant of Uncertain Significance.

Ambry Genetics
Classification: Uncertain significance for Cardiovascular phenotype. Last evaluated: 2023-09-15. Review status: criteria provided, single submitter. Criteria: Ambry Variant Classification Scheme 2023. Collection method: clinical testing. Allele origin: germline.
Comment: The p.R369H variant (also known as c.1106G>A), located in coding exon 6 of the SNTA1 gene, results from a G to A substitution at nucleotide position 1106. The arginine at codon 369 is replaced by histidine, an amino acid with highly similar properties. This amino acid position is conserved. In addition, this alteration is predicted to be deleterious by in silico analysis. Since supporting evidence is limited at this time, the clinical significance of this alteration remains unclear.

Fulgent Genetics
Classification: Uncertain significance for Long QT syndrome 12. Last evaluated: 2021-07-07. Review status: criteria provided, single submitter. Criteria: ACMG Guidelines, 2015. Collection method: clinical testing. Allele origin: unknown.

NM_003098.3(SNTA1):c.1106G>A (p.Arg369His)

Gene: SNTA1 (syntrophin alpha 1; minus strand). Cytogenetic location: 20q11.21.
Variant type: single nucleotide variant.
Coding change: c.1106G>A on transcript NM_003098.3 (MANE Select); coding-DNA position 1106, G replaced by A.
Protein change: p.Arg369His; replaces arginine 369 with histidine.
Molecular consequence: missense variant.
Genome position (GRCh38, 1-based): chr20:33,410,266, C>T on the plus strand (G>A on the coding strand, the complement: SNTA1 is on the minus strand). VCF-style: chr20-33410266-C-T. GRCh37 (hg19) VCF-style: chr20-31998072-C-T.
Other names: short protein forms R369H.
Identifiers: ClinVar variation 649723 (VCV000649723.10), dbSNP rs1012069434, ClinGen allele CA313252192.